The following is an entry in ClinVar:

NM_003721.4(RFXANK):c.599_600del (p.Gly200fs)

Gene: RFXANK (regulatory factor X associated ankyrin containing protein; plus strand). Cytogenetic location: 19p13.11.
Variant type: Deletion.
Coding change: c.599_600del on transcript NM_003721.4 (MANE Select); coding-DNA positions 599 to 600, 2 bases deleted (GG; older notation c.599_600delGG).
Protein change: p.Gly200fs; shifts the reading frame from glycine 200.
Molecular consequence: frameshift variant.
Genome position (GRCh38, 1-based): chr19:19,198,691-19,198,692, GG deleted; deleting any 2 consecutive bases within chr19:19,198,690-19,198,692 gives the same sequence; the c. name uses the placement nearest the transcript's 3' end. VCF-style (leftmost placement, unchanged base first): chr19-19198689-CGG-C. GRCh37 (hg19) VCF-style: chr19-19309498-CGG-C.
Other names: c.533_534del, p.Gly178fs (NM_001278727.2, NM_001370234.1); c.530_531del, p.Gly177fs (NM_001278728.2, NM_134440.3); c.599_600del, p.Gly200fs (NM_001370233.1, NM_001370238.1); c.596_597del, p.Gly199fs (NM_001370235.1, NM_001370236.1, NM_001370237.1); short protein forms G178fs, G199fs, G200fs, G177fs.
Identifiers: ClinVar variation 1361889 (VCV001361889.6), dbSNP rs2146496053, ClinGen allele CA2573156236.

ClinVar aggregate classification (germline): Pathogenic (1 of 4 stars; one submission).

Conditions:
MHC class II deficiency. Also called: Bare lymphocyte syndrome 2; BLS, TYPE II. Identifiers: Orphanet 572, MedGen C5447452, MONDO:0008855.

Submission:

Labcorp Genetics (formerly Invitae), Labcorp
Classification: Pathogenic for MHC class II deficiency. Last evaluated: 2020-12-01. Review status: criteria provided, single submitter. Criteria: Invitae Variant Classification Sherloc (09022015). Collection method: clinical testing. Allele origin: germline.
Comment: For these reasons, this variant has been classified as Pathogenic. This variant has not been reported in the literature in individuals with RFXANK-related conditions. This variant is not present in population databases (ExAC no frequency). This sequence change creates a premature translational stop signal (p.Gly200Glufs*7) in the RFXANK gene. It is expected to result in an absent or disrupted protein product. Loss-of-function variants in RFXANK are known to be pathogenic (PMID: 10803838, 16166641, 21908431).

Literature cited by the submitters: PubMed 10803838; PubMed 16166641; PubMed 21908431.